The following is an entry in ClinVar:

ClinVar aggregate classification (germline): Benign. Review status: criteria provided, multiple submitters, no conflicts (2 of 4 stars). 18 submissions from 16 submitters: Benign (15). 3 of the submissions do not count toward it. Last evaluated 2026-02-04.

Conditions:
Birt-Hogg-Dube syndrome 1 (BHD1). Also called: FIBROFOLLICULOMAS WITH TRICHODISCOMAS AND ACROCHORDONS. Identifiers: Orphanet 122, MedGen CN375946, MONDO:0800445, OMIM 135150.
Familial spontaneous pneumothorax (PSP). Identifiers: Orphanet 2903, MedGen C1868193, MONDO:0008259, OMIM 173600.
Hereditary cancer-predisposing syndrome. Also called: Hereditary Cancer Syndrome; Hereditary neoplastic syndrome; Neoplastic Syndromes, Hereditary; Tumor predisposition. Identifiers: Orphanet 140162, MedGen C0027672, MeSH D009386, MONDO:0015356.
Birt-Hogg-Dube syndrome. Also called: Birt Hogg Dubé syndrome. Identifiers: Orphanet 122, MedGen C0346010, MONDO:0800444.

Allele frequency attached by ClinVar (database versions not stated): ESP Exome Variant Server 0.37381; TOPMed 0.38536; 1000 Genomes Project 30x 0.39288; gnomAD 0.40309 and 0.40572; 1000 Genomes Project 0.40515; gnomAD exomes 0.47945 and 0.48211; ExAC 0.48408.
gnomAD v4.1: 738,371 of 1,566,246 alleles (47%); highest among the groups gnomAD compares: East Asian, 65%; 181,520 homozygotes.

Submissions (18):

Labcorp Genetics (formerly Invitae), Labcorp
Classification: Benign for Birt-Hogg-Dube syndrome. Last evaluated: 2026-02-04. Review status: criteria provided, single submitter. Criteria: Invitae Variant Classification Sherloc (09022015). Collection method: clinical testing. Allele origin: germline.

Hereditary Cancer Laboratory, Hospital Universitario 12 de Octubre
Classification: Benign for Hereditary cancer-predisposing syndrome. Last evaluated: 2025-01-08. Review status: criteria provided, single submitter. Criteria: ACMG Guidelines, 2015. Collection method: clinical testing. Allele origin: germline.
Comment: BA1+BP6

Blueprint Genetics
Classification: Benign. Last evaluated: 2024-11-28. Review status: criteria provided, single submitter. Criteria: ACMG Guidelines, 2015. Collection method: clinical testing. Allele origin: germline.

Myriad Genetics, Inc.
Classification: Benign for Birt-Hogg-Dube syndrome 1. Last evaluated: 2024-10-22. Review status: criteria provided, single submitter. Criteria: Myriad Autosomal Dominant, Autosomal Recessive and X-Linked Classification Criteria (2023). Collection method: clinical testing. Allele origin: unknown.
Comment: This variant is considered benign. This variant is intronic and is not expected to impact mRNA splicing. This variant has been observed at a population frequency that is significantly greater than expected given the associated disease prevalence and penetrance.

KCCC/NGS Laboratory, Kuwait Cancer Control Center
Classification: Benign for Birt-Hogg-Dube syndrome 1. Last evaluated: 2023-07-07. Review status: criteria provided, single submitter. Criteria: ACMG Guidelines, 2015. Collection method: clinical testing. Allele origin: germline. Affected: yes.

Genome-Nilou Lab
Classification: Benign for Birt-Hogg-Dube syndrome 1. Last evaluated: 2021-08-10. Review status: criteria provided, single submitter. Criteria: ACMG Guidelines, 2015. Collection method: clinical testing. Allele origin: germline. Affected: no.

Genome-Nilou Lab
Classification: Benign for Familial spontaneous pneumothorax. Last evaluated: 2021-08-10. Review status: criteria provided, single submitter. Criteria: ACMG Guidelines, 2015. Collection method: clinical testing. Allele origin: germline. Affected: no.

Illumina Laboratory Services, Illumina
Classification: Benign for Familial spontaneous pneumothorax. Last evaluated: 2018-01-12. Review status: criteria provided, single submitter. Criteria: ICSL Variant Classification Criteria 13 December 2019. Collection method: clinical testing. Allele origin: germline.
Comment: This variant was observed in the ICSL laboratory as part of a predisposition screen in an ostensibly healthy population. It had not been previously curated by ICSL or reported in the Human Gene Mutation Database (HGMD: prior to June 1st, 2018), and was therefore a candidate for classification through an automated scoring system. Utilizing variant allele frequency, disease prevalence and penetrance estimates, and inheritance mode, an automated score was calculated to assess if this variant is too frequent to cause the disease. Based on the score and internal cut-off values, a variant classified as benign is not then subjected to further curation. The score for this variant resulted in a classification of benign for this disease.

Illumina Laboratory Services, Illumina
Classification: Benign for Birt-Hogg-Dube syndrome 1. Last evaluated: 2018-01-12. Review status: criteria provided, single submitter. Criteria: ICSL Variant Classification Criteria 13 December 2019. Collection method: clinical testing. Allele origin: germline.
Comment: the same text as in the submission from Illumina Laboratory Services, Illumina above.

Eurofins Ntd Llc (ga)
Classification: Benign. Last evaluated: 2017-04-10. Review status: criteria provided, single submitter. Criteria: EGL Classification Definitions 2015. Collection method: clinical testing. Allele origin: germline. Observed: 135 variant alleles, 91 heterozygotes, 44 homozygotes.

Women's Health and Genetics/Laboratory Corporation of America, LabCorp
Classification: Benign. Last evaluated: 2016-05-04. Review status: criteria provided, single submitter. Criteria: LabCorp Variant Classification Summary - May 2015. Collection method: clinical testing. Allele origin: germline.
Comment: Variant summary: The FLCN variant, c.397-14C>T is located at a non-conserved intronic position, not widely known to affect splicing, with 5/5 in silico programs via Alamut predicting no significant effect on splicing, although these predictions have yet to be functionally assessed. The variant of interest is observed in the large, broad control population, ExAC, with an allele frequency of 20124/41572 (1/2 including 4822 homozygotes), which significantly exceeds the estimated maximum expected allele frequency for a pathogenic FLCN variant of 1/769230. The variant of interest has also been reported by multiple reputable clinical laboratories as "benign." Therefore, the variant of interest has been classified as Benign.

GeneDx
Classification: Benign. Last evaluated: 2015-03-03. Review status: criteria provided, single submitter. Criteria: GeneDx Variant Classification Process June 2021. Collection method: clinical testing. Allele origin: germline. Affected: yes.

Laboratory for Molecular Medicine, Mass General Brigham Personalized Medicine
Classification: Benign. Last evaluated: 2013-02-21. Review status: criteria provided, single submitter. Criteria: LMM Criteria. Collection method: clinical testing. Allele origin: germline. Observed: 55 variant alleles.
Comment: 397-14C>T in intron 5 of FLCN: This variant is not expected to have clinical sig nificance because it has been identified in 48.5% (4163/8588) of European Americ an chromosomes from a broad population by the NHLBI Exome Sequencing Project (dbSNP rs1736219).

Breakthrough Genomics
Classification: Benign. Review status: criteria provided, single submitter. Criteria: ACMG Guidelines, 2015. Collection method: not provided. Allele origin: germline. Inheritance: Autosomal dominant inheritance. Affected: yes.

PreventionGenetics, part of Exact Sciences
Classification: Benign. Review status: criteria provided, single submitter. Criteria: ACMG Guidelines, 2015. Collection method: clinical testing. Allele origin: germline.

Clinical Genetics DNA and cytogenetics Diagnostics Lab, Erasmus MC, Erasmus Medical Center
Classification: Benign. Review status: no assertion criteria provided. Collection method: clinical testing. Allele origin: germline. Affected: yes. Study: VKGL Data-share Consensus. Not counted in ClinVar's aggregate classification.

Genome Diagnostics Laboratory, University Medical Center Utrecht
Classification: Benign. Review status: no assertion criteria provided. Collection method: clinical testing. Allele origin: germline. Affected: yes. Study: VKGL Data-share Consensus. Not counted in ClinVar's aggregate classification.

Joint Genome Diagnostic Labs from Nijmegen and Maastricht, Radboudumc and MUMC+
Classification: Benign. Review status: no assertion criteria provided. Collection method: clinical testing. Allele origin: germline. Affected: yes. Study: VKGL Data-share Consensus. Not counted in ClinVar's aggregate classification.

NM_144997.7(FLCN):c.397-14C>T

Gene: FLCN (folliculin; minus strand). Cytogenetic location: 17p11.2.
Variant type: single nucleotide variant.
Coding change: c.397-14C>T on transcript NM_144997.7 (MANE Select); 14 bases into the intron before coding-DNA position 397, C replaced by T.
Molecular consequence: intron variant.
Genome position (GRCh38, 1-based): chr17:17,224,157, G>A on the plus strand (C>T on the coding strand, the complement: FLCN is on the minus strand). VCF-style: chr17-17224157-G-A. GRCh37 (hg19) VCF-style: chr17-17127471-G-A.
Other names: c.397-14C>T (NM_144997.6, NM_001353231.2, NM_001353230.2 and 1 more transcripts); c.451-14C>T (NM_001353229.2).
Identifiers: ClinVar variation 96486 (VCV000096486.31), dbSNP rs1736219, ClinGen allele CA149550.